The following is an entry in ClinVar:

ClinVar aggregate classification (germline): Uncertain significance (1 of 4 stars; one submission).

Allele frequency attached by ClinVar (database versions not stated): TOPMed below 0.00001; gnomAD exomes 0.00001.
gnomAD v4.1: 12 of 1,589,540 alleles (0.00075%); highest among the groups gnomAD compares: Non-Finnish European, 0.001%; no homozygotes.

Submission:

Labcorp Genetics (formerly Invitae), Labcorp
Classification: Uncertain significance. Last evaluated: 2022-04-12. Review status: criteria provided, single submitter. Criteria: Invitae Variant Classification Sherloc (09022015). Collection method: clinical testing. Allele origin: germline.
Comment: In summary, the available evidence is currently insufficient to determine the role of this variant in disease. Therefore, it has been classified as a Variant of Uncertain Significance. Algorithms developed to predict the effect of missense changes on protein structure and function (SIFT, PolyPhen-2, Align-GVGD) all suggest that this variant is likely to be tolerated. This variant has not been reported in the literature in individuals affected with HACD1-related conditions. This variant is not present in population databases (gnomAD no frequency). This sequence change replaces alanine, which is neutral and non-polar, with serine, which is neutral and polar, at codon 93 of the HACD1 protein (p.Ala93Ser).

NM_014241.4(HACD1):c.277G>T (p.Ala93Ser)

Gene: HACD1 (3-hydroxyacyl-CoA dehydratase 1; minus strand). Cytogenetic location: 10p12.33.
Variant type: single nucleotide variant.
Coding change: c.277G>T on transcript NM_014241.4 (MANE Select); coding-DNA position 277, G replaced by T.
Protein change: p.Ala93Ser; replaces alanine 93 with serine.
Molecular consequence: missense variant.
Genome position (GRCh38, 1-based): chr10:17,604,028, C>A on the plus strand (G>T on the coding strand, the complement: HACD1 is on the minus strand). VCF-style: chr10-17604028-C-A. GRCh37 (hg19) VCF-style: chr10-17646027-C-A.
Other names: short protein forms A93S.
Identifiers: ClinVar variation 1438354 (VCV001438354.8), dbSNP rs1834108676, ClinGen allele CA376197083.